The following is an entry in ClinVar:

NM_175875.5(SIX5):c.1268G>A (p.Gly423Glu)

Gene: SIX5 (SIX homeobox 5; minus strand). Cytogenetic location: 19q13.32.
Variant type: single nucleotide variant.
Coding change: c.1268G>A on transcript NM_175875.5 (MANE Select); coding-DNA position 1268, G replaced by A.
Protein change: p.Gly423Glu; replaces glycine 423 with glutamic acid.
Molecular consequence: missense variant.
Genome position (GRCh38, 1-based): chr19:45,766,691, C>T on the plus strand (G>A on the coding strand, the complement: SIX5 is on the minus strand). VCF-style: chr19-45766691-C-T. GRCh37 (hg19) VCF-style: chr19-46269949-C-T.
Other names: short protein forms G423E.
Identifiers: ClinVar variation 1351869 (VCV001351869.8), dbSNP rs2146206808, ClinGen allele CA406418734.

ClinVar aggregate classification (germline): Uncertain significance (1 of 4 stars; one submission).

gnomAD v4.1: 1 of 1,525,626 alleles (0.000066%); highest among the groups gnomAD compares: Admixed American, 0.0021%; no homozygotes.

Submission:

Labcorp Genetics (formerly Invitae), Labcorp
Classification: Uncertain significance. Last evaluated: 2022-04-08. Review status: criteria provided, single submitter. Criteria: Invitae Variant Classification Sherloc (09022015). Collection method: clinical testing. Allele origin: germline.
Comment: In summary, the available evidence is currently insufficient to determine the role of this variant in disease. Therefore, it has been classified as a Variant of Uncertain Significance. Algorithms developed to predict the effect of missense changes on protein structure and function are either unavailable or do not agree on the potential impact of this missense change (SIFT: "Deleterious"; PolyPhen-2: "Benign"; Align-GVGD: "Class C0"). This variant has not been reported in the literature in individuals affected with SIX5-related conditions. This variant is not present in population databases (gnomAD no frequency). This sequence change replaces glycine, which is neutral and non-polar, with glutamic acid, which is acidic and polar, at codon 423 of the SIX5 protein (p.Gly423Glu).